The following is an entry in ClinVar:

NM_000051.4(ATM):c.594C>G (p.Cys198Trp)

Gene: ATM (ATM serine/threonine kinase; plus strand). Cytogenetic location: 11q22.3.
Variant type: single nucleotide variant.
Coding change: c.594C>G on transcript NM_000051.4 (MANE Select); coding-DNA position 594, C replaced by G.
Protein change: p.Cys198Trp; replaces cysteine 198 with tryptophan.
Molecular consequence: missense variant.
Genome position (GRCh38, 1-based): chr11:108,244,050, C>G. VCF-style: chr11-108244050-C-G. GRCh37 (hg19) VCF-style: chr11-108114777-C-G.
Other names: c.594C>G, p.Cys198Trp (NM_001351834.2); short protein forms C198W.
Identifiers: ClinVar variation 826075 (VCV000826075.5), dbSNP rs1591500282, ClinGen allele CA382528039.

ClinVar aggregate classification (germline): Uncertain significance. Review status: criteria provided, single submitter (1 of 4 stars). 2 submissions from 2 submitters: Uncertain significance (1). 1 of the submissions does not count toward it. Last evaluated 2018-01-29.

Conditions:
Hereditary cancer-predisposing syndrome. Also called: Neoplastic Syndromes, Hereditary; Hereditary Cancer Syndrome; Hereditary neoplastic syndrome; Tumor predisposition. Identifiers: Orphanet 140162, MedGen C0027672, MeSH D009386, MONDO:0015356.
Ataxia-telangiectasia syndrome (AT). Also called: ATAXIA-TELANGIECTASIA, COMPLEMENTATION GROUP A; ATAXIA-TELANGIECTASIA, FRESNO VARIANT; Ataxia-telangiectasia, complementation group E; Ataxia telangiectasia (A-T); LOUIS-BAR SYNDROME; Cerebello-oculocutaneous telangiectasia. Identifiers: Orphanet 100, MedGen C0004135, MONDO:0008840, OMIM 208900.

Submissions (2):

Ambry Genetics
Classification: Uncertain significance for Hereditary cancer-predisposing syndrome. Last evaluated: 2018-01-29. Review status: criteria provided, single submitter. Criteria: Ambry Variant Classification Scheme 2023. Collection method: clinical testing. Allele origin: germline.
Comment: The p.C198W variant (also known as c.594C>G), located in coding exon 5 of the ATM gene, results from a C to G substitution at nucleotide position 594. The cysteine at codon 198 is replaced by tryptophan, an amino acid with highly dissimilar properties. This amino acid position is well conserved in available vertebrate species. In addition, this alteration is predicted to be tolerated by in silico analysis. Since supporting evidence is limited at this time, the clinical significance of this alteration remains unclear.

Natera, Inc.
Classification: Uncertain significance for Ataxia-telangiectasia. Last evaluated: 2021-09-29. Review status: no assertion criteria provided. Collection method: clinical testing. Allele origin: germline. Not counted in ClinVar's aggregate classification.